The following is an entry in ClinVar:

ClinVar aggregate classification (germline): Conflicting classifications of pathogenicity. Review status: criteria provided, conflicting classifications (1 of 4 stars). 5 submissions from 5 submitters: Likely pathogenic (2); Uncertain significance (3). Last evaluated 2026-08-21.

Conditions:
Hereditary cancer-predisposing syndrome. Also called: Hereditary Cancer Syndrome; Hereditary neoplastic syndrome; Neoplastic Syndromes, Hereditary; Tumor predisposition. Identifiers: Orphanet 140162, MedGen C0027672, MeSH D009386, MONDO:0015356.
Familial adenomatous polyposis 2. Also called: ADENOMAS, MULTIPLE COLORECTAL, AUTOSOMAL RECESSIVE; MUTYH-associated polyposis; MUTYH-related attenuated familial adenomatous polyposis; FAP type 2; MUTYH Polyposis; MYH-associated polyposis. Identifiers: Orphanet 220460, Orphanet 247798, MedGen C3272841, MONDO:0012041, OMIM 608456.

Allele frequency attached by ClinVar (database versions not stated): gnomAD exomes 0.00002 and below 0.00001; ExAC 0.00001.
gnomAD v4.1: 4 of 1,613,984 alleles (0.00025%); highest among the groups gnomAD compares: East Asian, 0.0089%; no homozygotes.

Submissions (5):

Myriad Genetics, Inc.
Classification: Likely pathogenic for Familial adenomatous polyposis 2. Last evaluated: 2026-08-21. Review status: criteria provided, single submitter. Criteria: Myriad Autosomal Dominant, Autosomal Recessive and X-Linked Classification Criteria (2023). Collection method: clinical testing. Allele origin: unknown.
Comment: This variant is considered likely pathogenic. This variant has been reported in multiple individuals with clinical features of gene-specific disease [PMID: 17703316; Myriad internal data]. Functional studies indicate this variant impacts protein function [PMID: 40738107]. This variant is expected to disrupt protein structure [Myriad internal data].

Ambry Genetics
Classification: Likely pathogenic for Hereditary cancer-predisposing syndrome. Last evaluated: 2025-08-15. Review status: criteria provided, single submitter. Criteria: Ambry Variant Classification Scheme 2023. Collection method: clinical testing. Allele origin: germline.
Comment: The p.Q454P variant (also known as c.1361A>C), located in coding exon 14 of the MUTYH gene, results from an A to C substitution at nucleotide position 1361. The glutamine at codon 454 is replaced by proline, an amino acid with similar properties. In a massively parallel cell-based functional assay testing 7,8-dihydro-8-oxoguanine:adenine (8OG:A) repair activity, a byproduct of oxidative damage, this variant was reported to be non-functional (Hemker SL et al. Am J Hum Genet. Published online July 29, 2025. DOI: 10.1016/j.ajhg.2025.07.005). This alteration was identified with Q253X in an individual with 18 colorectal polyps. The phase of these alterations was not documented (Kim DW et al. Int J Colorectal Dis, 2007 Oct;22:1173-8). This alteration is also known as Q440P in some published literature. This amino acid position is not well conserved in available vertebrate species. In addition, this alteration is predicted to be deleterious by in silico analysis. Based on the majority of available evidence to date, this variant is likely to be pathogenic.

All of Us Research Program, National Institutes of Health
Classification: Uncertain significance for Familial adenomatous polyposis 2. Last evaluated: 2024-02-22. Review status: criteria provided, single submitter. Criteria: ACMG Guidelines, 2015. Collection method: clinical testing. Allele origin: germline. Inheritance: Autosomal recessive inheritance. Observed: 1 variant allele, 1 heterozygote.
Comment: This study involves interpretation of variants in research participants for the purpose of population health screening. Participant phenotype was not available at the time of variant classification. Additional details can be found in publication PMID: 35346344, PMCID: PMC8962531

Labcorp Genetics (formerly Invitae), Labcorp
Classification: Uncertain significance for Familial adenomatous polyposis 2. Last evaluated: 2022-03-08. Review status: criteria provided, single submitter. Criteria: Invitae Variant Classification Sherloc (09022015). Collection method: clinical testing. Allele origin: germline.
Comment: ClinVar contains an entry for this variant (Variation ID: 628978). This variant is also known as p.Gln440Pro. This missense change has been observed in individual(s) with colon cancer (PMID: 17703316). This variant is present in population databases (rs747614763, gnomAD 0.02%). This sequence change replaces glutamine, which is neutral and polar, with proline, which is neutral and non-polar, at codon 454 of the MUTYH protein (p.Gln454Pro). Algorithms developed to predict the effect of missense changes on protein structure and function (SIFT, PolyPhen-2, Align-GVGD) all suggest that this variant is likely to be tolerated. In summary, the available evidence is currently insufficient to determine the role of this variant in disease. Therefore, it has been classified as a Variant of Uncertain Significance.

Color Diagnostics, LLC DBA Color Health
Classification: Uncertain significance for Hereditary cancer-predisposing syndrome. Last evaluated: 2019-06-29. Review status: criteria provided, single submitter. Criteria: ACMG Guidelines, 2015. Collection method: clinical testing. Allele origin: germline.

Literature cited by the submitters: PubMed 17703316 (cited by 3 submitters); PubMed 40738107 (cited by Myriad Genetics, Inc. and Ambry Genetics).

NM_001048174.2(MUTYH):c.1277A>C (p.Gln426Pro)

Gene: MUTYH (mutY DNA glycosylase; minus strand). Cytogenetic location: 1p34.1.
Variant type: single nucleotide variant.
Coding change: c.1277A>C on transcript NM_001048174.2 (MANE Select); coding-DNA position 1277, A replaced by C.
Protein change: p.Gln426Pro; replaces glutamine 426 with proline.
Molecular consequence: missense variant. On other transcripts: non-coding transcript variant (2).
Genome position (GRCh38, 1-based): chr1:45,331,297, T>G on the plus strand (A>C on the coding strand, the complement: MUTYH is on the minus strand). VCF-style: chr1-45331297-T-G. GRCh37 (hg19) VCF-style: chr1-45796969-T-G.
Other names: c.1280A>C, p.Gln427Pro (NM_001048172.2); c.1277A>C, p.Gln426Pro (NM_001048173.2, NM_001048171.2, NM_001293195.2); c.1361A>C, p.Gln454Pro (NM_001128425.2); c.1322A>C, p.Gln441Pro (NM_001293190.2); c.1310A>C, p.Gln437Pro (NM_001293191.2); c.1001A>C, p.Gln334Pro (NM_001293192.2, NM_001293196.2); c.932A>C, p.Gln311Pro (NM_001350650.2, NM_001350651.2); c.1352A>C, p.Gln451Pro (NM_012222.3); short protein forms Q454P, Q311P, Q334P, Q441P, Q437P, Q427P, Q426P, Q451P.
Identifiers: ClinVar variation 628978 (VCV000628978.15), dbSNP rs747614763, ClinGen allele CA056232.